The following is an entry in ClinVar:

NM_004489.5(GPS2):c.273G>T (p.Lys91Asn)

Gene: GPS2 (G protein pathway suppressor 2; minus strand). Cytogenetic location: 17p13.1.
Variant type: single nucleotide variant.
Coding change: c.273G>T on transcript NM_004489.5 (MANE Select); coding-DNA position 273, G replaced by T.
Protein change: p.Lys91Asn; replaces lysine 91 with asparagine.
Molecular consequence: missense variant.
Genome position (GRCh38, 1-based): chr17:7,314,335, C>A on the plus strand (G>T on the coding strand, the complement: GPS2 is on the minus strand). VCF-style: chr17-7314335-C-A. GRCh37 (hg19) VCF-style: chr17-7217654-C-A.
Other names: short protein forms K91N.
Identifiers: ClinVar variation 4530526 (VCV004530526.1).

ClinVar aggregate classification (somatic clinical impact): Tier II - Potential (1 of 4 stars; one submission).

Conditions:
Medulloblastoma non-WNT/non-SHH group 4. Identifiers: MedGen C4330666, MONDO:0956967.

Submission:

Institute for Genomic Medicine (IGM) Clinical Laboratory, Nationwide Children's Hospital
Classification: Tier II - Potential for Medulloblastoma non-WNT/non-SHH group 4. Assertion type: diagnostic. Clinical significance: supports diagnosis. Last evaluated: 2025-07-03. Review status: criteria provided, single submitter. Criteria: AMP/ASCO/CAP Guidelines, 2017. Collection method: clinical testing. Allele origin: somatic. Affected: yes.
Comment: Variant has Tier II (potential) clinical significance as a diagnostic inclusion criterion in medulloblastoma non-WNT/non-SHH group 4, based on the following evidence: 1) Documented in one or more cancer databases (e.g., St. Jude Pecan, COSMIC, CIViC, OncoKB). 2) Assists in diagnosis alone or along with other biomarkers based on small studies or few case reports (Evidence Level D; PMIDs: 22820256, 25030029).

Literature cited by the submitters: PubMed 22820256; PubMed 25030029.